The following is an entry in ClinVar:

NM_004982.4(KCNJ8):c.1225A>G (p.Lys409Glu)

Genes: KCNJ8 (potassium inwardly rectifying channel subfamily J member 8; minus strand), KCNJ8-AS1 (KCNJ8 antisense RNA 1; plus strand). Cytogenetic location: 12p12.1.
Variant type: single nucleotide variant.
Coding change: c.1225A>G on transcript NM_004982.4 (MANE Select); coding-DNA position 1225, A replaced by G.
Protein change: p.Lys409Glu; replaces lysine 409 with glutamic acid.
Molecular consequence: missense variant.
Genome position (GRCh38, 1-based): chr12:21,765,773, T>C on the plus strand (A>G on the coding strand, the complement: KCNJ8 is on the minus strand). VCF-style: chr12-21765773-T-C. GRCh37 (hg19) VCF-style: chr12-21918707-T-C.
Other names: short protein forms K409E.
Identifiers: ClinVar variation 3862875 (VCV003862875.1).

ClinVar aggregate classification (germline): Uncertain significance (1 of 4 stars; one submission).

Conditions:
Cardiovascular phenotype. Identifiers: MedGen CN230736.

Submission:

Ambry Genetics
Classification: Uncertain significance for Cardiovascular phenotype. Last evaluated: 2025-01-28. Review status: criteria provided, single submitter. Criteria: Ambry Variant Classification Scheme 2023. Collection method: clinical testing. Allele origin: germline.
Comment: The p.K409E variant (also known as c.1225A>G), located in coding exon 2 of the KCNJ8 gene, results from an A to G substitution at nucleotide position 1225. The lysine at codon 409 is replaced by glutamic acid, an amino acid with similar properties. This amino acid position is conserved. In addition, the in silico prediction for this alteration is inconclusive. Based on the available evidence, the clinical significance of this variant remains unclear.